The following is an entry in ClinVar:

NM_005461.5(MAFB):c.209C>T (p.Ser70Leu)

Gene: MAFB (MAF bZIP transcription factor B; minus strand). Cytogenetic location: 20q12.
Variant type: single nucleotide variant.
Coding change: c.209C>T on transcript NM_005461.5 (MANE Select); coding-DNA position 209, C replaced by T.
Protein change: p.Ser70Leu; replaces serine 70 with leucine.
Molecular consequence: missense variant.
Genome position (GRCh38, 1-based): chr20:40,688,642, G>A on the plus strand (C>T on the coding strand, the complement: MAFB is on the minus strand). VCF-style: chr20-40688642-G-A. GRCh37 (hg19) VCF-style: chr20-39317282-G-A.
Other names: short protein forms S70L.
Identifiers: ClinVar variation 30770 (VCV000030770.7), dbSNP rs387907006, ClinGen allele CA129454.

ClinVar aggregate classification (germline): Pathogenic/Likely pathogenic. Review status: criteria provided, multiple submitters, no conflicts (2 of 4 stars). 3 submissions from 3 submitters: Pathogenic (1); Likely pathogenic (1). 1 of the submissions does not count toward it. Last evaluated 2024-08-12.

Conditions:
Inborn genetic diseases. Identifiers: MedGen C0950123, MeSH D030342.
Multicentric carpo-tarsal osteolysis with or without nephropathy. Also called: Carnevale Canun Mendoza syndrome; Multicentric Osteolysis of Carpal Bones and Nephropathy; OSTEOLYSIS, HEREDITARY, OF CARPAL BONES WITH OR WITHOUT NEPHROPATHY; Multicentric Carpotarsal Osteolysis with or without Nephropathy; MULTICENTRIC CARPOTARSAL OSTEOLYSIS SYNDROME; MULTICENTRIC OSTEOLYSIS, AUTOSOMAL DOMINANT. Identifiers: Orphanet 2774, MedGen C2674705, MONDO:0008152, OMIM 166300.

Submissions (3):

Labcorp Genetics (formerly Invitae), Labcorp
Classification: Pathogenic. Last evaluated: 2024-08-12. Review status: criteria provided, single submitter. Criteria: Invitae Variant Classification Sherloc (09022015). Collection method: clinical testing. Allele origin: germline.
Comment: This sequence change replaces serine, which is neutral and polar, with leucine, which is neutral and non-polar, at codon 70 of the MAFB protein (p.Ser70Leu). This variant is not present in population databases (gnomAD no frequency). This missense change has been observed in individual(s) with multicentric carpotarsal osteolysis syndrome (PMID: 22387013). In at least one individual the variant was observed to be de novo. ClinVar contains an entry for this variant (Variation ID: 30770). Advanced modeling of protein sequence and biophysical properties (such as structural, functional, and spatial information, amino acid conservation, physicochemical variation, residue mobility, and thermodynamic stability) performed at Invitae indicates that this missense variant is expected to disrupt MAFB protein function with a positive predictive value of 80%. For these reasons, this variant has been classified as Pathogenic.

Ambry Genetics
Classification: Likely pathogenic for Inborn genetic diseases. Last evaluated: 2019-09-06. Review status: criteria provided, single submitter. Criteria: Ambry exome assertion method (8-5-2015). Collection method: clinical testing. Allele origin: germline. Affected: yes. Observed: 1 variant allele.

OMIM
Classification: Pathogenic for MULTICENTRIC CARPOTARSAL OSTEOLYSIS SYNDROME. Last evaluated: 2012-03-09. Review status: no assertion criteria provided. Collection method: literature only. Allele origin: germline. Not counted in ClinVar's aggregate classification.

Literature cited by the submitters: PubMed 22387013 (cited by 3 submitters); PubMed 24989131 (cited by Ambry Genetics).